The following is an entry in ClinVar:

ClinVar aggregate classification (germline): Uncertain significance (1 of 4 stars; one submission).

Conditions:
Hyperphosphatasia with impaired intellectual development syndrome 2. Also called: Hyperphosphatasia with intellectual disability syndrome 2; GLYCOSYLPHOSPHATIDYLINOSITOL BIOSYNTHESIS DEFECT 6. Identifiers: Orphanet 247262, MedGen C3553637, MONDO:0013882, OMIM 614749.

Allele frequency attached by ClinVar (database versions not stated): gnomAD 0.00001; gnomAD exomes 0.00001 and below 0.00001; TOPMed below 0.00001; ExAC 0.00002; ESP Exome Variant Server 0.00015.

Submission:

Labcorp Genetics (formerly Invitae), Labcorp
Classification: Uncertain significance for Hyperphosphatasia with impaired intellectual development syndrome 2. Last evaluated: 2021-03-21. Review status: criteria provided, single submitter. Criteria: Invitae Variant Classification Sherloc (09022015). Collection method: clinical testing. Allele origin: germline.
Comment: This sequence change replaces valine with leucine at codon 73 of the PIGO protein (p.Val73Leu). The valine residue is moderately conserved and there is a small physicochemical difference between valine and leucine. This variant is present in population databases (rs371057978, ExAC 0.004%). This variant has not been reported in the literature in individuals with PIGO-related conditions. Algorithms developed to predict the effect of missense changes on protein structure and function (SIFT, PolyPhen-2, Align-GVGD) all suggest that this variant is likely to be tolerated, but these predictions have not been confirmed by published functional studies and their clinical significance is uncertain. In summary, the available evidence is currently insufficient to determine the role of this variant in disease. Therefore, it has been classified as a Variant of Uncertain Significance.

NM_032634.4(PIGO):c.217G>T (p.Val73Leu)

Gene: PIGO (phosphatidylinositol glycan anchor biosynthesis class O; minus strand). Cytogenetic location: 9p13.3.
Variant type: single nucleotide variant.
Coding change: c.217G>T on transcript NM_032634.4 (MANE Select); coding-DNA position 217, G replaced by T.
Protein change: p.Val73Leu; replaces valine 73 with leucine.
Molecular consequence: missense variant.
Genome position (GRCh38, 1-based): chr9:35,095,349, C>A on the plus strand (G>T on the coding strand, the complement: PIGO is on the minus strand). VCF-style: chr9-35095349-C-A. GRCh37 (hg19) VCF-style: chr9-35095346-C-A.
Other names: c.217G>T, p.Val73Leu (NM_001201484.2, NM_152850.4); short protein forms V73L.
Identifiers: ClinVar variation 1494237 (VCV001494237.7), dbSNP rs371057978, ClinGen allele CA5040992.
Genomic context (GRCh38, chr9:35,095,349, plus strand): 5'-CTCTAGGCACGTGTGAATGCTGGGGCTGGGCGAAGTCAAATCGCAGAGCATCTATCAGCA[C>A]CAACACAACCCGCGAAAATCGGGAAGCCATCCAGCAGGCCCCAGGTTTCCCTTGGCTCCC-3'
Protein context (NP_116023.2, residues 63-83): MASRFSRVVL[Val73Leu]LIDALRFDFA